The following is an entry in ClinVar:

NM_002693.3(POLG):c.1915A>G (p.Thr639Ala)

Gene: POLG (DNA polymerase gamma, catalytic subunit; minus strand). Cytogenetic location: 15q26.1.
Variant type: single nucleotide variant.
Coding change: c.1915A>G on transcript NM_002693.3 (MANE Select); coding-DNA position 1915, A replaced by G.
Protein change: p.Thr639Ala; replaces threonine 639 with alanine.
Molecular consequence: missense variant.
Genome position (GRCh38, 1-based): chr15:89,325,484, T>C on the plus strand (A>G on the coding strand, the complement: POLG is on the minus strand). VCF-style: chr15-89325484-T-C. GRCh37 (hg19) VCF-style: chr15-89868715-T-C.
Other names: c.1915A>G, p.Thr639Ala (NM_001126131.2); short protein forms T639A.
Identifiers: ClinVar variation 2827077 (VCV002827077.3), dbSNP rs2509248493, ClinGen allele CA393759045.
Genomic context (GRCh38, chr15:89,325,484, plus strand): 5'-CTTCCTCCCCTGGGCCTAAGCCTTACCTGTAGGGGCAGACCACCCCAGCTGACTCCAGGG[T>C]GGTACCTGTCGGCAGCTTGGCCAGGTTGTCCCGCCGCCCAGGCACCAAGTAGCCCCAGCC-3'
Protein context (NP_002684.1, residues 629-649): DNLAKLPTGT[Thr639Ala]LESAGVVCPY

ClinVar aggregate classification (germline): Uncertain significance (1 of 4 stars; one submission).

Conditions:
Progressive sclerosing poliodystrophy (MTDPS4A). Also called: ALPERS PROGRESSIVE INFANTILE POLIODYSTROPHY; NEURONAL DEGENERATION OF CHILDHOOD WITH LIVER DISEASE, PROGRESSIVE; Alpers Syndrome; ALPERS DIFFUSE DEGENERATION OF CEREBRAL GRAY MATTER WITH HEPATIC CIRRHOSIS; Alpers-Huttenlocher Syndrome; Mitochondrial DNA Depletion Syndrome 4A. Identifiers: Orphanet 726, MedGen C0205710, MONDO:0008758, OMIM 203700.

Allele frequency attached by ClinVar (database versions not stated): gnomAD exomes below 0.00001.
gnomAD v4.1: 1 of 1,607,174 alleles (0.000062%); highest among the groups gnomAD compares: Non-Finnish European, 0.000085%; no homozygotes.

Submission:

Labcorp Genetics (formerly Invitae), Labcorp
Classification: Uncertain significance for Progressive sclerosing poliodystrophy. Last evaluated: 2023-01-08. Review status: criteria provided, single submitter. Criteria: Invitae Variant Classification Sherloc (09022015). Collection method: clinical testing. Allele origin: germline.
Comment: In summary, the available evidence is currently insufficient to determine the role of this variant in disease. Therefore, it has been classified as a Variant of Uncertain Significance. Advanced modeling of protein sequence and biophysical properties (such as structural, functional, and spatial information, amino acid conservation, physicochemical variation, residue mobility, and thermodynamic stability) performed at Invitae indicates that this missense variant is not expected to disrupt POLG protein function. This variant has not been reported in the literature in individuals affected with POLG-related conditions. This variant is not present in population databases (gnomAD no frequency). This sequence change replaces threonine, which is neutral and polar, with alanine, which is neutral and non-polar, at codon 639 of the POLG protein (p.Thr639Ala).